The following is an entry in ClinVar:

ClinVar aggregate classification (germline): Benign. Review status: criteria provided, multiple submitters, no conflicts (2 of 4 stars). 2 submissions from 2 submitters: Benign (2). Last evaluated 2018-06-18.

Allele frequency attached by ClinVar (database versions not stated): gnomAD 0.83907 and 0.83826; TOPMed 0.84311; 1000 Genomes Project 30x 0.90646; gnomAD exomes 0.78466; 1000 Genomes Project 0.90775.

Submissions (2):

GeneDx
Classification: Benign. Last evaluated: 2018-06-18. Review status: criteria provided, single submitter. Criteria: GeneDx Variant Classification (06012015). Collection method: clinical testing. Allele origin: germline. Affected: yes.
Comment: This variant is considered likely benign or benign based on one or more of the following criteria: it is a conservative change, it occurs at a poorly conserved position in the protein, it is predicted to be benign by multiple in silico algorithms, and/or has population frequency not consistent with disease.

Breakthrough Genomics
Classification: Benign. Review status: criteria provided, single submitter. Criteria: ACMG Guidelines, 2015. Collection method: not provided. Allele origin: germline. Inheritance: Autosomal recessive inheritance. Affected: yes.

NM_005198.4(CHKB):c.-369T>G

Genes: CHKB-DT (CHKB divergent transcript; plus strand), CHKB (choline kinase beta; minus strand), LOC130067884 (ATAC-STARR-seq lymphoblastoid silent region 14002; plus strand). Cytogenetic location: 22q13.33.
Variant type: single nucleotide variant.
Coding change: c.-369T>G on transcript NM_005198.4; 369 bases upstream of the start codon, T replaced by G.
Molecular consequence: non-coding transcript variant (on NR_021492.2).
Genome position (GRCh38, 1-based): chr22:50,583,150, A>C on the plus strand (T>G on the coding strand, the complement: CHKB is on the minus strand). VCF-style: chr22-50583150-A-C. GRCh37 (hg19) VCF-style: chr22-51021579-A-C.
Identifiers: ClinVar variation 668085 (VCV000668085.4), dbSNP rs131757, ClinGen allele CA14947179.